The following is an entry in ClinVar:

NM_000094.4(COL7A1):c.8177C>T (p.Pro2726Leu)

Gene: COL7A1 (collagen type VII alpha 1 chain; minus strand). Cytogenetic location: 3p21.31.
Variant type: single nucleotide variant.
Coding change: c.8177C>T on transcript NM_000094.4 (MANE Select); coding-DNA position 8177, C replaced by T.
Protein change: p.Pro2726Leu; replaces proline 2726 with leucine.
Molecular consequence: missense variant.
Genome position (GRCh38, 1-based): chr3:48,566,956, G>A on the plus strand (C>T on the coding strand, the complement: COL7A1 is on the minus strand). VCF-style: chr3-48566956-G-A. GRCh37 (hg19) VCF-style: chr3-48604389-G-A.
Other names: c.8177C>T (NM_000094.3); short protein forms P2726L.
Identifiers: ClinVar variation 1060676 (VCV001060676.7), dbSNP rs372495014, ClinGen allele CA2378134.

ClinVar aggregate classification (germline): Conflicting classifications of pathogenicity. Review status: criteria provided, conflicting classifications (1 of 4 stars). 3 submissions from 3 submitters: Uncertain significance (1); Likely benign (1). 1 of the submissions does not count toward it. Last evaluated 2026-04-15.

Conditions:
COL7A1-related disorder. Also called: COL7A1-related condition; COL7A1- related disorders.
Epidermolysis bullosa dystrophica. Also called: Dystrophic epidermolysis bullosa, Hallopeau-Siemens type (formerly); Dystrophic epidermolysis bullosa. Identifiers: Orphanet 303, MedGen C0079294, MONDO:0006543.

Allele frequency attached by ClinVar (database versions not stated): ExAC 0.00003; gnomAD 0.00003 and 0.00004; TOPMed 0.00005; ESP Exome Variant Server 0.00015.
gnomAD v4.1: 98 of 1,611,416 alleles (0.0061%); highest among the groups gnomAD compares: South Asian, 0.013%; no homozygotes.

Submissions (3):

PreventionGenetics, part of Exact Sciences
Classification: Uncertain significance for COL7A1-related condition. Last evaluated: 2026-04-15. Review status: criteria provided, single submitter. Criteria: ACMG Guidelines, 2015. Collection method: clinical testing. Allele origin: germline.
Comment: The COL7A1 c.8177C>T variant is predicted to result in the amino acid substitution p.Pro2726Leu. To our knowledge, this variant has not been reported in the literature. This variant is reported in 0.016% of alleles in individuals of South Asian descent in gnomAD. At this time, the clinical significance of this variant is uncertain due to the absence of conclusive functional and genetic evidence.

Labcorp Genetics (formerly Invitae), Labcorp
Classification: Likely benign. Last evaluated: 2026-01-26. Review status: criteria provided, single submitter. Criteria: Invitae Variant Classification Sherloc (09022015). Collection method: clinical testing. Allele origin: germline.

Natera, Inc.
Classification: Uncertain significance for Dystrophic epidermolysis bullosa. Last evaluated: 2020-12-04. Review status: no assertion criteria provided. Collection method: clinical testing. Allele origin: germline. Not counted in ClinVar's aggregate classification.